The following is an entry in ClinVar:

ClinVar aggregate classification (germline): Uncertain significance. Review status: criteria provided, multiple submitters, no conflicts (2 of 4 stars). 2 submissions from 2 submitters: Uncertain significance (2). Last evaluated 2025-10-28.

Conditions:
Supravalvar aortic stenosis (SVAS). Also called: Supravalvar aortic stenosis, Eisenberg type. Identifiers: Orphanet 3193, MedGen C0003499, MONDO:0008504, OMIM 185500, HP:0004381.

gnomAD v4.1: 5 of 1,613,218 alleles (0.00031%); highest among the groups gnomAD compares: Non-Finnish European, 0.00042%; no homozygotes.

Submissions (2):

Labcorp Genetics (formerly Invitae), Labcorp
Classification: Uncertain significance for Supravalvar aortic stenosis. Last evaluated: 2025-10-28. Review status: criteria provided, single submitter. Criteria: Invitae Variant Classification Sherloc (09022015). Collection method: clinical testing. Allele origin: germline.
Comment: This sequence change replaces alanine, which is neutral and non-polar, with proline, which is neutral and non-polar, at codon 81 of the ELN protein (p.Ala81Pro). This variant is present in population databases (no rsID available, gnomAD 0.0009%). This variant has not been reported in the literature in individuals affected with ELN-related conditions. Invitae Evidence Modeling of protein sequence and biophysical properties (such as structural, functional, and spatial information, amino acid conservation, physicochemical variation, residue mobility, and thermodynamic stability) indicates that this missense variant is not expected to disrupt ELN protein function with a negative predictive value of 80%. In summary, the available evidence is currently insufficient to determine the role of this variant in disease. Therefore, it has been classified as a Variant of Uncertain Significance.

Blueprint Genetics
Classification: Uncertain significance. Last evaluated: 2023-03-07. Review status: criteria provided, single submitter. Criteria: ACMG Guidelines, 2015. Collection method: clinical testing. Allele origin: germline.

NM_000501.4(ELN):c.241G>C (p.Ala81Pro)

Gene: ELN (elastin; plus strand). Cytogenetic location: 7q11.23.
Variant type: single nucleotide variant.
Coding change: c.241G>C on transcript NM_000501.4 (MANE Select); coding-DNA position 241, G replaced by C.
Protein change: p.Ala81Pro; replaces alanine 81 with proline.
Molecular consequence: missense variant.
Genome position (GRCh38, 1-based): chr7:74,042,622, G>C. VCF-style: chr7-74042622-G-C. GRCh37 (hg19) VCF-style: chr7-73456952-G-C.
Other names: c.211G>C, p.Ala71Pro (NM_001081752.3, NM_001278914.2, NM_001278917.2 and 1 more transcripts); c.241G>C, p.Ala81Pro (NM_001081753.3, NM_001081754.3, NM_001081755.3 and 4 more transcripts); c.205G>C, p.Ala69Pro (NM_001278913.2); short protein forms A71P, A81P, A69P.
Identifiers: ClinVar variation 4752747 (VCV004752747.2).